The following is an entry in ClinVar:

NM_001161748.2(LIM2):c.175+87A>G

Genes: LIM2 (lens intrinsic membrane protein 2; minus strand), LIM2-AS1 (LIM2 and SIGLEC10 antisense RNA 1; plus strand). Cytogenetic location: 19q13.41.
Variant type: single nucleotide variant.
Coding change: c.175+87A>G on transcript NM_001161748.2 (MANE Select); 87 bases into the intron after coding-DNA position 175, A replaced by G.
Molecular consequence: intron variant. On other transcripts: missense variant (1).
Genome position (GRCh38, 1-based): chr19:51,387,182, T>C on the plus strand (A>G on the coding strand, the complement: LIM2 is on the minus strand). VCF-style: chr19-51387182-T-C. GRCh37 (hg19) VCF-style: chr19-51890436-T-C.
Other names: c.262A>G, p.Arg88Gly (NM_030657.4); short protein forms R88G.
Identifiers: ClinVar variation 1050919 (VCV001050919.9), dbSNP rs369343996, ClinGen allele CA9611581.
Genomic context (GRCh38, chr19:51,387,182, plus strand): 5'-GCCCCCTCCATGCTGAGTGACCTTGGGTTGCTCCCTTTCCCTCTTTGAGCCGCAGAGTTC[T>C]CCATCTGGAATACAGGTGTCCTTGGGCCCCGAGGTCCGCCCTGCTCTTTCCCCAGGCGCG-3'

ClinVar aggregate classification (germline): Uncertain significance (1 of 4 stars; one submission).

Conditions:
Cataract 19 multiple types. Also called: CATARACT 19, CORTICAL PULVERULENT; CATARACT 19, CONGENITAL TOTAL. Identifiers: Orphanet 91492, MedGen C3809004, MONDO:0014111, OMIM 615277.

Allele frequency attached by ClinVar (database versions not stated): ExAC 0.00001; gnomAD 0.00001 and 0.00002; gnomAD exomes 0.00001; TOPMed 0.00002; ESP Exome Variant Server 0.00008.

Submission:

Labcorp Genetics (formerly Invitae), Labcorp
Classification: Uncertain significance for Cataract 19 multiple types. Last evaluated: 2020-07-21. Review status: criteria provided, single submitter. Criteria: Invitae Variant Classification Sherloc (09022015). Collection method: clinical testing. Allele origin: germline.
Comment: This variant has not been reported in the literature in individuals with LIM2-related conditions. This sequence change replaces arginine with glycine at codon 88 of the LIM2 protein (p.Arg88Gly). The arginine residue is weakly conserved and there is a moderate physicochemical difference between arginine and glycine. This variant is present in population databases (rs369343996, ExAC 0.002%). Algorithms developed to predict the effect of missense changes on protein structure and function output the following: SIFT: "Deleterious"; PolyPhen-2: "Benign"; Align-GVGD: "Class C0". The glycine amino acid residue is found in multiple mammalian species, suggesting that this missense change does not adversely affect protein function. These predictions have not been confirmed by published functional studies and their clinical significance is uncertain. In summary, the available evidence is currently insufficient to determine the role of this variant in disease. Therefore, it has been classified as a Variant of Uncertain Significance.